The following is an entry in ClinVar:

ClinVar aggregate classification (germline): Uncertain significance. Review status: criteria provided, multiple submitters, no conflicts (2 of 4 stars). 3 submissions from 3 submitters: Uncertain significance (3). Last evaluated 2025-10-29.

Conditions:
Inborn genetic diseases. Identifiers: MedGen C0950123, MeSH D030342.
Multiple epiphyseal dysplasia, Al-Gazali type. Also called: Macrocephaly with multiple epiphyseal dysplasia and distinctive facies. Identifiers: Orphanet 166024, MedGen C1846722, MONDO:0011778, OMIM 607131.
Hydrolethalus syndrome 2 (HLS2). Identifiers: Orphanet 2189, MedGen C3279899, MONDO:0013585, OMIM 614120.
Acrocallosal syndrome (ACLS). Also called: HALLUX DUPLICATION, POSTAXIAL POLYDACTYLY, AND ABSENCE OF CORPUS CALLOSUM; Schinzel syndrome 1; Absence of corpus callosum with unusual facial appearance, mental deficiency, duplication of the halluces and polydactyly. Identifiers: Orphanet 36, MedGen C0796147, MONDO:0008708, OMIM 200990.

Allele frequency attached by ClinVar (database versions not stated): ExAC 0.00001; gnomAD exomes 0.00001; gnomAD 0.00004; TOPMed 0.00005; ESP Exome Variant Server 0.00008.
gnomAD v4.1: 105 of 1,607,164 alleles (0.0065%); highest among the groups gnomAD compares: Non-Finnish European, 0.0082%; no homozygotes.

Submissions (3):

Ambry Genetics
Classification: Uncertain significance for Inborn genetic diseases. Last evaluated: 2025-10-29. Review status: criteria provided, single submitter. Criteria: Ambry Variant Classification Scheme 2023. Collection method: clinical testing. Allele origin: germline.

Fulgent Genetics
Classification: Uncertain significance for Acrocallosal syndrome; Multiple epiphyseal dysplasia, Al-Gazali type; Hydrolethalus syndrome 2. Last evaluated: 2024-03-21. Review status: criteria provided, single submitter. Criteria: ACMG Guidelines, 2015. Collection method: clinical testing. Allele origin: germline.

Labcorp Genetics (formerly Invitae), Labcorp
Classification: Uncertain significance for Acrocallosal syndrome. Last evaluated: 2022-10-17. Review status: criteria provided, single submitter. Criteria: Invitae Variant Classification Sherloc (09022015). Collection method: clinical testing. Allele origin: germline.
Comment: This sequence change replaces glutamic acid, which is acidic and polar, with glutamine, which is neutral and polar, at codon 529 of the KIF7 protein (p.Glu529Gln). This variant is present in population databases (rs377625808, gnomAD 0.002%). This variant has not been reported in the literature in individuals affected with KIF7-related conditions. ClinVar contains an entry for this variant (Variation ID: 1390589). Advanced modeling of protein sequence and biophysical properties (such as structural, functional, and spatial information, amino acid conservation, physicochemical variation, residue mobility, and thermodynamic stability) performed at Invitae indicates that this missense variant is not expected to disrupt KIF7 protein function. In summary, the available evidence is currently insufficient to determine the role of this variant in disease. Therefore, it has been classified as a Variant of Uncertain Significance.

NM_198525.3(KIF7):c.1585G>C (p.Glu529Gln)

Gene: KIF7 (kinesin family member 7; minus strand). Cytogenetic location: 15q26.1.
Variant type: single nucleotide variant.
Coding change: c.1585G>C on transcript NM_198525.3 (MANE Select); coding-DNA position 1585, G replaced by C.
Protein change: p.Glu529Gln; replaces glutamic acid 529 with glutamine.
Molecular consequence: missense variant.
Genome position (GRCh38, 1-based): chr15:89,647,033, C>G on the plus strand (G>C on the coding strand, the complement: KIF7 is on the minus strand). VCF-style: chr15-89647033-C-G. GRCh37 (hg19) VCF-style: chr15-90190264-C-G.
Other names: c.1585G>C (NM_198525.2); short protein forms E529Q.
Identifiers: ClinVar variation 1390589 (VCV001390589.8), dbSNP rs377625808, ClinGen allele CA7728512.